The following is an entry in ClinVar:

ClinVar aggregate classification (germline): Conflicting classifications of pathogenicity. Review status: criteria provided, conflicting classifications (1 of 4 stars). 3 submissions from 3 submitters: Uncertain significance (1); Likely benign (2). Last evaluated 2025-11-20.

Conditions:
BAP1-related tumor predisposition syndrome (TPDS1). Also called: Tumor susceptibility linked to germline BAP1 mutations; BAP1 tumor predisposition syndrome; COMMON Syndrome; TUMOR PREDISPOSITION SYNDROME 1. Identifiers: Orphanet 289539, MedGen C3280492, MONDO:0013692, OMIM 614327.
Hereditary cancer-predisposing syndrome. Also called: Neoplastic Syndromes, Hereditary; Tumor predisposition; Hereditary Cancer Syndrome; Hereditary neoplastic syndrome. Identifiers: Orphanet 140162, MedGen C0027672, MeSH D009386, MONDO:0015356.

Allele frequency attached by ClinVar (database versions not stated): TOPMed 0.00001; gnomAD exomes 0.00003.

Submissions (3):

Labcorp Genetics (formerly Invitae), Labcorp
Classification: Uncertain significance for BAP1-related tumor predisposition syndrome. Last evaluated: 2025-11-20. Review status: criteria provided, single submitter. Criteria: Invitae Variant Classification Sherloc (09022015). Collection method: clinical testing. Allele origin: germline.
Comment: This sequence change replaces serine, which is neutral and polar, with cysteine, which is neutral and slightly polar, at codon 292 of the BAP1 protein (p.Ser292Cys). This variant is not present in population databases (gnomAD no frequency). This missense change has been observed in individual(s) with melanoma (PMID: 28062663). ClinVar contains an entry for this variant (Variation ID: 485259). Invitae Evidence Modeling of protein sequence and biophysical properties (such as structural, functional, and spatial information, amino acid conservation, physicochemical variation, residue mobility, and thermodynamic stability) indicates that this missense variant is not expected to disrupt BAP1 protein function with a negative predictive value of 80%. Experimental studies have shown that this missense change does not substantially affect BAP1 function (PMID: 28062663). In summary, the available evidence is currently insufficient to determine the role of this variant in disease. Therefore, it has been classified as a Variant of Uncertain Significance.

Color Diagnostics, LLC DBA Color Health
Classification: Likely benign for Hereditary cancer-predisposing syndrome. Last evaluated: 2025-07-21. Review status: criteria provided, single submitter. Criteria: ACMG Guidelines, 2015. Collection method: clinical testing. Allele origin: germline.

Ambry Genetics
Classification: Likely benign for Hereditary cancer-predisposing syndrome. Last evaluated: 2024-12-31. Review status: criteria provided, single submitter. Criteria: Ambry Variant Classification Scheme 2023. Collection method: clinical testing. Allele origin: germline.

Literature cited by the submitters: PubMed 28062663 (cited by Labcorp Genetics (formerly Invitae), Labcorp and Ambry Genetics).

NM_004656.4(BAP1):c.875C>G (p.Ser292Cys)

Gene: BAP1 (BRCA1 associated deubiquitinase 1; minus strand). Cytogenetic location: 3p21.1.
Variant type: single nucleotide variant.
Coding change: c.875C>G on transcript NM_004656.4 (MANE Select); coding-DNA position 875, C replaced by G.
Protein change: p.Ser292Cys; replaces serine 292 with cysteine.
Molecular consequence: missense variant.
Genome position (GRCh38, 1-based): chr3:52,405,821, G>C on the plus strand (C>G on the coding strand, the complement: BAP1 is on the minus strand). VCF-style: chr3-52405821-G-C. GRCh37 (hg19) VCF-style: chr3-52439837-G-C.
Other names: c.875C>G (LRG_529t1); short protein forms S292C.
Identifiers: ClinVar variation 485259 (VCV000485259.19), dbSNP rs1553645470, ClinGen allele CA353106676.